The following is an entry in ClinVar:

NM_003482.4(KMT2D):c.761C>A (p.Ala254Asp)

Gene: KMT2D (lysine methyltransferase 2D; minus strand). Cytogenetic location: 12q13.12.
Variant type: single nucleotide variant.
Coding change: c.761C>A on transcript NM_003482.4 (MANE Select); coding-DNA position 761, C replaced by A.
Protein change: p.Ala254Asp; replaces alanine 254 with aspartic acid.
Molecular consequence: missense variant.
Genome position (GRCh38, 1-based): chr12:49,053,554, G>T on the plus strand (C>A on the coding strand, the complement: KMT2D is on the minus strand). VCF-style: chr12-49053554-G-T. GRCh37 (hg19) VCF-style: chr12-49447337-G-T.
Other names: short protein forms A254D.
Identifiers: ClinVar variation 1972894 (VCV001972894.5), dbSNP rs2498465740, ClinGen allele CA384681196.
Genomic context (GRCh38, chr12:49,053,554, plus strand): 5'-TTGCATTCAGGGCACTGCCAGCCAGCACGTTTGCGGGCAGTCAGAGCAGTGTCCAGGCAG[G>T]CCCCGTGATAGTGATGCCCACAGCTGGTACAGAAGAACAGGTCACACAACTCCCCTGGCC-3'
Protein context (NP_003473.3, residues 244-264): CTSCGHHYHG[Ala254Asp]CLDTALTARK

ClinVar aggregate classification (germline): Uncertain significance (1 of 4 stars; one submission).

Conditions:
Kabuki syndrome. Also called: NIIKAWA-KUROKI SYNDROME; Kabuki make-up syndrome. Identifiers: Orphanet 2322, MedGen C0796004, MONDO:0016512.

gnomAD v4.1: 4 of 1,600,812 alleles (0.00025%); highest among the groups gnomAD compares: Non-Finnish European, 0.00034%; no homozygotes.

Submission:

Labcorp Genetics (formerly Invitae), Labcorp
Classification: Uncertain significance for Kabuki syndrome. Last evaluated: 2024-01-11. Review status: criteria provided, single submitter. Criteria: Invitae Variant Classification Sherloc (09022015). Collection method: clinical testing. Allele origin: germline.
Comment: This sequence change replaces alanine, which is neutral and non-polar, with aspartic acid, which is acidic and polar, at codon 254 of the KMT2D protein (p.Ala254Asp). This variant is not present in population databases (gnomAD no frequency). This variant has not been reported in the literature in individuals affected with KMT2D-related conditions. ClinVar contains an entry for this variant (Variation ID: 1972894). Advanced modeling of protein sequence and biophysical properties (such as structural, functional, and spatial information, amino acid conservation, physicochemical variation, residue mobility, and thermodynamic stability) performed at Invitae indicates that this missense variant is not expected to disrupt KMT2D protein function with a negative predictive value of 95%. In summary, the available evidence is currently insufficient to determine the role of this variant in disease. Therefore, it has been classified as a Variant of Uncertain Significance.